The following is an entry in ClinVar:

NM_000548.5(TSC2):c.4040T>A (p.Leu1347His)

Gene: TSC2 (TSC complex subunit 2; plus strand). Cytogenetic location: 16p13.3.
Variant type: single nucleotide variant.
Coding change: c.4040T>A on transcript NM_000548.5 (MANE Select); coding-DNA position 4040, T replaced by A.
Protein change: p.Leu1347His; replaces leucine 1347 with histidine.
Molecular consequence: missense variant.
Genome position (GRCh38, 1-based): chr16:2,084,262, T>A. VCF-style: chr16-2084262-T-A. GRCh37 (hg19) VCF-style: chr16-2134263-T-A.
Other names: c.3824T>A, p.Leu1275His (NM_001406675.1); c.3821T>A, p.Leu1274His (NM_001406676.1); c.3239T>A, p.Leu1080His (NM_001406687.1, NM_001406688.1); c.3839T>A, p.Leu1280His (NM_001077183.3); c.3971T>A, p.Leu1324His (NM_001114382.3); c.3731T>A, p.Leu1244His (NM_001318827.2); c.3695T>A, p.Leu1232His (NM_001318829.2); c.3308T>A, p.Leu1103His (NM_001318831.2); and 26 more; short protein forms L1231H, L1080H, L1147H, L1243H, L1274H, L1276H, L1291H, L1303H.
Identifiers: ClinVar variation 1737286 (VCV001737286.2), dbSNP rs1221929408, ClinGen allele CA394299290.
Genomic context (GRCh38, chr16:2,084,262, plus strand): 5'-GTTCTCTTTGGGATGGTCCTTTCTAGTCGTCCTCAGTCTCCAGCCAGGAGGAGAAGTCGC[T>A]CCACGCGGAGGAGCTGGTTGGCAGGGGCATCCCCATCGAGCGAGTCGTCTCCTCGGAGGG-3'
Protein context (NP_000539.2, residues 1337-1357): SSVSSQEEKS[Leu1347His]HAEELVGRGI

ClinVar aggregate classification (germline): Uncertain significance (1 of 4 stars; one submission).

Conditions:
Hereditary cancer-predisposing syndrome. Also called: Neoplastic Syndromes, Hereditary; Tumor predisposition; Hereditary Cancer Syndrome; Hereditary neoplastic syndrome. Identifiers: Orphanet 140162, MedGen C0027672, MeSH D009386, MONDO:0015356.

Submission:

Ambry Genetics
Classification: Uncertain significance for Hereditary cancer-predisposing syndrome. Last evaluated: 2021-02-25. Review status: criteria provided, single submitter. Criteria: Ambry Variant Classification Scheme 2023. Collection method: clinical testing. Allele origin: germline.
Comment: The p.L1347H variant (also known as c.4040T>A), located in coding exon 33 of the TSC2 gene, results from a T to A substitution at nucleotide position 4040. The leucine at codon 1347 is replaced by histidine, an amino acid with similar properties. This amino acid position is poorly conserved in available vertebrate species. In addition, the in silico prediction for this alteration is inconclusive. Since supporting evidence is limited at this time, the clinical significance of this alteration remains unclear.